The following is an entry in ClinVar:

NM_001166114.2(PNPLA6):c.946C>T (p.Arg316Ter)

Gene: PNPLA6 (patatin like domain 6, lysophospholipase; plus strand). Cytogenetic location: 19p13.2.
Variant type: single nucleotide variant.
Coding change: c.946C>T on transcript NM_001166114.2 (MANE Select); coding-DNA position 946, C replaced by T.
Protein change: p.Arg316Ter; replaces arginine 316 with a stop codon.
Molecular consequence: nonsense.
Genome position (GRCh38, 1-based): chr19:7,541,375, C>T. VCF-style: chr19-7541375-C-T. GRCh37 (hg19) VCF-style: chr19-7606261-C-T.
Other names: c.973C>T, p.Arg325Ter (NM_001166111.2); c.829C>T, p.Arg277Ter (NM_001166112.2, NM_001166113.1, NM_006702.5); short protein forms R316*, R325*, R277*.
Identifiers: ClinVar variation 5006047 (VCV005006047.2).

ClinVar aggregate classification (germline): Likely pathogenic (1 of 4 stars; one submission).

Conditions:
Hereditary spastic paraplegia 39 (SPG39). Also called: SPASTIC PARAPLEGIA 39, AUTOSOMAL RECESSIVE; Spastic Paraplegia Type 39 (SPG39). Identifiers: Orphanet 139480, MedGen C2677586, MONDO:0012787, OMIM 612020.
Ataxia-hypogonadism-choroidal dystrophy syndrome (BNHS). Also called: Boucher-Neuhäuser Syndrome (BNS); Chorioretinal dystrophy, spinocerebellar ataxia and hypogonadotropic hypogonadism. Identifiers: Orphanet 1180, MedGen C1859093, MONDO:0008980, OMIM 215470.
Trichomegaly-retina pigmentary degeneration-dwarfism syndrome (OMCS). Also called: OLIVER-MCFARLANE SYNDROME; Oliver-McFarlane Syndrome (OMCS); Eyelashes long mental retardation; Trichomegaly retina pigmentary degeneration dwarfism. Identifiers: Orphanet 3363, MedGen C1848745, MONDO:0010152, OMIM 275400.
Laurence-Moon syndrome (LNMS). Also called: PNPLA6-Related Laurence-Moon Syndrome (LMS). Identifiers: Orphanet 2377, MedGen C0023138, MONDO:0009514, OMIM 245800.

Submission:

Juno Genomics, Hangzhou Juno Genomics, Inc
Classification: Likely pathogenic for Laurence-Moon syndrome; Ataxia-hypogonadism-choroidal dystrophy syndrome; Trichomegaly-retina pigmentary degeneration-dwarfism syndrome; Hereditary spastic paraplegia 39. Review status: criteria provided, single submitter. Criteria: ACMG Guidelines, 2015. Collection method: clinical testing. Allele origin: germline.
Comment: Null variant in a gene where loss of function (LOF) is a known mechanism of disease.;Absent from controls (or at extremely low frequency if recessive) in Genome Aggregation Database.